The following is an entry in ClinVar:

ClinVar aggregate classification (germline): Uncertain significance. Review status: criteria provided, multiple submitters, no conflicts (2 of 4 stars). 2 submissions from 2 submitters: Uncertain significance (2). Last evaluated 2025-08-23.

Conditions:
Hereditary cancer-predisposing syndrome. Also called: Tumor predisposition; Hereditary neoplastic syndrome; Neoplastic Syndromes, Hereditary; Hereditary Cancer Syndrome. Identifiers: Orphanet 140162, MedGen C0027672, MeSH D009386, MONDO:0015356.

Allele frequency attached by ClinVar (database versions not stated): TOPMed 0.00001.

Submissions (2):

Ambry Genetics
Classification: Uncertain significance for Hereditary cancer-predisposing syndrome. Last evaluated: 2025-08-23. Review status: criteria provided, single submitter. Criteria: Ambry Variant Classification Scheme 2023. Collection method: clinical testing. Allele origin: germline.
Comment: The p.T115P variant (also known as c.343A>C), located in coding exon 2 of the NTHL1 gene, results from an A to C substitution at nucleotide position 343. The threonine at codon 115 is replaced by proline, an amino acid with highly similar properties. This amino acid position is poorly conserved in available vertebrate species. In addition, the in silico prediction for this alteration is inconclusive. Since supporting evidence is limited at this time, the clinical significance of this alteration remains unclear.

Labcorp Genetics (formerly Invitae), Labcorp
Classification: Uncertain significance. Last evaluated: 2025-05-23. Review status: criteria provided, single submitter. Criteria: Invitae Variant Classification Sherloc (09022015). Collection method: clinical testing. Allele origin: germline.
Comment: This sequence change replaces threonine, which is neutral and polar, with proline, which is neutral and non-polar, at codon 115 of the NTHL1 protein (p.Thr115Pro). This variant is not present in population databases (gnomAD no frequency). This variant has not been reported in the literature in individuals affected with NTHL1-related conditions. ClinVar contains an entry for this variant (Variation ID: 845369). An algorithm developed to predict the effect of missense changes on protein structure and function (PolyPhen-2) suggests that this variant is likely to be tolerated. In summary, the available evidence is currently insufficient to determine the role of this variant in disease. Therefore, it has been classified as a Variant of Uncertain Significance.

NM_002528.7(NTHL1):c.319A>C (p.Thr107Pro)

Gene: NTHL1 (nth like DNA glycosylase 1; minus strand). Cytogenetic location: 16p13.3.
Variant type: single nucleotide variant.
Coding change: c.319A>C on transcript NM_002528.7 (MANE Select); coding-DNA position 319, A replaced by C.
Protein change: p.Thr107Pro; replaces threonine 107 with proline.
Molecular consequence: missense variant. On other transcripts: intron variant (1).
Genome position (GRCh38, 1-based): chr16:2,046,163, T>G on the plus strand (A>C on the coding strand, the complement: NTHL1 is on the minus strand). VCF-style: chr16-2046163-T-G. GRCh37 (hg19) VCF-style: chr16-2096164-T-G.
Other names: c.319A>C, p.Thr107Pro (NM_001318193.2); c.24+117A>C (NM_001318194.2); short protein forms T107P.
Identifiers: ClinVar variation 845369 (VCV000845369.13), dbSNP rs1015524126, ClinGen allele CA276765601.